The following is an entry in ClinVar:

NM_003738.5(PTCH2):c.1987T>C (p.Cys663Arg)

Gene: PTCH2 (patched 2; minus strand). Cytogenetic location: 1p34.1.
Variant type: single nucleotide variant.
Coding change: c.1987T>C on transcript NM_003738.5 (MANE Select); coding-DNA position 1987, T replaced by C.
Protein change: p.Cys663Arg; replaces cysteine 663 with arginine.
Molecular consequence: missense variant.
Genome position (GRCh38, 1-based): chr1:44,827,914, A>G on the plus strand (T>C on the coding strand, the complement: PTCH2 is on the minus strand). VCF-style: chr1-44827914-A-G. GRCh37 (hg19) VCF-style: chr1-45293586-A-G.
Other names: c.1987T>C, p.Cys663Arg (NM_001166292.2); short protein forms C663R.
Identifiers: ClinVar variation 999249 (VCV000999249.9), dbSNP rs775286824, ClinGen allele CA21745068.

ClinVar aggregate classification (germline): Uncertain significance (1 of 4 stars; one submission).

Conditions:
Gorlin syndrome. Also called: Basal cell nevus syndrome; Nevoid Basal Cell Carcinoma Syndrome. Identifiers: Orphanet 377, MedGen C0004779, MONDO:0007187.

Submission:

Labcorp Genetics (formerly Invitae), Labcorp
Classification: Uncertain significance for Gorlin syndrome. Last evaluated: 2022-04-24. Review status: criteria provided, single submitter. Criteria: Invitae Variant Classification Sherloc (09022015). Collection method: clinical testing. Allele origin: germline.
Comment: Algorithms developed to predict the effect of missense changes on protein structure and function are either unavailable or do not agree on the potential impact of this missense change (SIFT: "Deleterious"; PolyPhen-2: "Benign"; Align-GVGD: "Class C0"). ClinVar contains an entry for this variant (Variation ID: 999249). This variant has not been reported in the literature in individuals affected with PTCH2-related conditions. This variant is not present in population databases (gnomAD no frequency). This sequence change replaces cysteine, which is neutral and slightly polar, with arginine, which is basic and polar, at codon 663 of the PTCH2 protein (p.Cys663Arg). In summary, the available evidence is currently insufficient to determine the role of this variant in disease. Therefore, it has been classified as a Variant of Uncertain Significance.